The following is an entry in ClinVar:

ClinVar aggregate classification (germline): Uncertain significance (1 of 4 stars; one submission).

gnomAD v4.1: 12 of 1,612,334 alleles (0.00074%); highest among the groups gnomAD compares: Non-Finnish European, 0.001%; no homozygotes.

Submission:

Women's Health and Genetics/Laboratory Corporation of America, LabCorp
Classification: Uncertain significance. Last evaluated: 2025-07-15. Review status: criteria provided, single submitter. Criteria: LabCorp Variant Classification Summary - May 2015. Collection method: clinical testing. Allele origin: germline.
Comment: Variant summary: NPC1 c.283T>C (p.Ser95Pro) results in a non-conservative amino acid change located in the N-terminal domain (IPR032190) of the encoded protein sequence. Algorithms developed to predict the effect of missense changes on protein structure and function all suggest that this variant is likely to be disruptive. The variant allele was found at a frequency of 8e-06 in 251118 control chromosomes (gnomAD). The available data on variant occurrences in the general population are insufficient to allow any conclusion about variant significance. c.283T>C has been observed in at least one individual affected with Niemann-Pick Disease Type C (Imrie_2015). These data do not allow any conclusion about variant significance. To our knowledge, no experimental evidence demonstrating an impact on protein function has been reported. The following publications have been ascertained in the context of this evaluation (PMID: 26666848, 33139814). No submitters have cited clinical-significance assessments for this variant to ClinVar. Based on the evidence outlined above, the variant was classified as uncertain significance.

Literature cited by the submitters: PubMed 26666848; PubMed 33139814.

NM_000271.5(NPC1):c.283T>C (p.Ser95Pro)

Gene: NPC1 (NPC intracellular cholesterol transporter 1; minus strand). Cytogenetic location: 18q11.2.
Variant type: single nucleotide variant.
Coding change: c.283T>C on transcript NM_000271.5 (MANE Select); coding-DNA position 283, T replaced by C.
Protein change: p.Ser95Pro; replaces serine 95 with proline.
Molecular consequence: missense variant.
Genome position (GRCh38, 1-based): chr18:23,572,078, A>G on the plus strand (T>C on the coding strand, the complement: NPC1 is on the minus strand). VCF-style: chr18-23572078-A-G. GRCh37 (hg19) VCF-style: chr18-21152042-A-G.
Other names: short protein forms S95P.
Identifiers: ClinVar variation 4525904 (VCV004525904.1).